The following is an entry in ClinVar:

NM_004380.3(CREBBP):c.4299T>C (p.Tyr1433=)

Gene: CREBBP (CREB binding lysine acetyltransferase; minus strand). Cytogenetic location: 16p13.3.
Variant type: single nucleotide variant.
Coding change: c.4299T>C on transcript NM_004380.3 (MANE Select); coding-DNA position 4299, T replaced by C.
Protein change: p.Tyr1433=; no amino-acid change (tyrosine 1433 retained).
Molecular consequence: synonymous variant.
Genome position (GRCh38, 1-based): chr16:3,738,654, A>G on the plus strand (T>C on the coding strand, the complement: CREBBP is on the minus strand). VCF-style: chr16-3738654-A-G. GRCh37 (hg19) VCF-style: chr16-3788655-A-G.
Other names: c.4185T>C, p.Tyr1395= (NM_001079846.1); c.4299T>C (NM_004380.2).
Identifiers: ClinVar variation 2151305 (VCV002151305.6), dbSNP rs144116705, ClinGen allele CA276981771.

ClinVar aggregate classification (germline): Likely benign. Review status: criteria provided, multiple submitters, no conflicts (2 of 4 stars). 3 submissions from 3 submitters: Likely benign (3). Last evaluated 2025-06-11.

Conditions:
CREBBP-related disorder. Also called: CREBBP-related condition; CREBBP-related disorders.
Rubinstein-Taybi syndrome (RSTS). Identifiers: Orphanet 783, MedGen C0035934, MONDO:0019188.

Allele frequency attached by ClinVar (database versions not stated): TOPMed below 0.00001; gnomAD 0.00001; gnomAD exomes 0.00001; ESP Exome Variant Server 0.00008.
gnomAD v4.1: 12 of 1,612,876 alleles (0.00074%); highest among the groups gnomAD compares: South Asian, 0.0022%; no homozygotes.

Submissions (3):

Labcorp Genetics (formerly Invitae), Labcorp
Classification: Likely benign for Rubinstein-Taybi syndrome. Last evaluated: 2025-06-11. Review status: criteria provided, single submitter. Criteria: Invitae Variant Classification Sherloc (09022015). Collection method: clinical testing. Allele origin: germline.

PreventionGenetics, part of Exact Sciences
Classification: Likely benign for CREBBP-related condition. Last evaluated: 2025-03-11. Review status: criteria provided, single submitter. Criteria: ACMG Guidelines, 2015. Collection method: clinical testing. Allele origin: germline.
Comment: This variant is classified as likely benign based on ACMG/AMP sequence variant interpretation guidelines (Richards et al. 2015 PMID: 25741868, with internal and published modifications).

Blueprint Genetics
Classification: Likely benign. Last evaluated: 2024-07-24. Review status: criteria provided, single submitter. Criteria: ACMG Guidelines, 2015. Collection method: clinical testing. Allele origin: germline.